The following is an entry in ClinVar:

NM_003079.5(SMARCE1):c.1027+5C>G

Gene: SMARCE1 (SWI/SNF related BAF chromatin remodeling complex subunit E1; minus strand). Cytogenetic location: 17q21.2.
Variant type: single nucleotide variant.
Coding change: c.1027+5C>G on transcript NM_003079.5 (MANE Select); 5 bases into the intron after coding-DNA position 1027, C replaced by G.
Molecular consequence: intron variant.
Genome position (GRCh38, 1-based): chr17:40,630,709, G>C on the plus strand (C>G on the coding strand, the complement: SMARCE1 is on the minus strand). VCF-style: chr17-40630709-G-C. GRCh37 (hg19) VCF-style: chr17-38786961-G-C.
Identifiers: ClinVar variation 938185 (VCV000938185.10), dbSNP rs771556643, ClinGen allele CA8545110.

ClinVar aggregate classification (germline): Uncertain significance. Review status: criteria provided, multiple submitters, no conflicts (2 of 4 stars). 2 submissions from 2 submitters: Uncertain significance (2). Last evaluated 2025-09-16.

Conditions:
Familial meningioma. Also called: Meningioma, familial, susceptibility to. Identifiers: Orphanet 263662, MedGen C3551915, MONDO:0011789, OMIM 607174.
Hereditary cancer-predisposing syndrome. Also called: Tumor predisposition; Hereditary neoplastic syndrome; Hereditary Cancer Syndrome; Neoplastic Syndromes, Hereditary. Identifiers: Orphanet 140162, MedGen C0027672, MeSH D009386, MONDO:0015356.

Allele frequency attached by ClinVar (database versions not stated): TOPMed below 0.00001; ExAC 0.00001; gnomAD 0.00001.
gnomAD v4.1: 2 of 1,612,510 alleles (0.00012%); highest among the groups gnomAD compares: Non-Finnish European, 0.000085%; no homozygotes.

Submissions (2):

Labcorp Genetics (formerly Invitae), Labcorp
Classification: Uncertain significance for Familial meningioma. Last evaluated: 2025-09-16. Review status: criteria provided, single submitter. Criteria: Invitae Variant Classification Sherloc (09022015). Collection method: clinical testing. Allele origin: germline.
Comment: This sequence change falls in intron 10 of the SMARCE1 gene. It does not directly change the encoded amino acid sequence of the SMARCE1 protein. It affects a nucleotide within the consensus splice site. This variant is present in population databases (rs771556643, gnomAD 0.0009%). This variant has not been reported in the literature in individuals affected with SMARCE1-related conditions. ClinVar contains an entry for this variant (Variation ID: 938185). Variants that disrupt the consensus splice site are a relatively common cause of aberrant splicing (PMID: 17576681, 9536098). Algorithms developed to predict the effect of sequence changes on RNA splicing suggest that this variant is not likely to affect RNA splicing. In summary, the available evidence is currently insufficient to determine the role of this variant in disease. Therefore, it has been classified as a Variant of Uncertain Significance.

Ambry Genetics
Classification: Uncertain significance for Hereditary cancer-predisposing syndrome. Last evaluated: 2025-04-11. Review status: criteria provided, single submitter. Criteria: Ambry Variant Classification Scheme 2023. Collection method: clinical testing. Allele origin: germline.
Comment: The c.1027+5C>G intronic variant results from a C to G substitution 5 nucleotides after coding exon 9 in the SMARCE1 gene. This nucleotide position is well conserved in available vertebrate species. This variant was detected as heterozygous in individuals with no reported features of Coffin-Siris syndrome (Ambry internal data). In silico splice site analysis predicts that this alteration will not have any significant effect on splicing; however, direct evidence is insufficient at this time (Ambry internal data). Based on the supporting evidence, the association of this alteration with an increased risk of meningiomas is unknown; however, the association of this alteration with an increased risk of Coffin-Siris syndrome is unlikely.

Literature cited by the submitters: PubMed 17576681 (cited by Labcorp Genetics (formerly Invitae), Labcorp); PubMed 9536098 (cited by Labcorp Genetics (formerly Invitae), Labcorp).